The following is an entry in ClinVar:

NM_133459.4(CCBE1):c.654G>C (p.Lys218Asn)

Gene: CCBE1 (collagen and calcium binding EGF domains 1; minus strand). Cytogenetic location: 18q21.32.
Variant type: single nucleotide variant.
Coding change: c.654G>C on transcript NM_133459.4 (MANE Select); coding-DNA position 654, G replaced by C.
Protein change: p.Lys218Asn; replaces lysine 218 with asparagine.
Molecular consequence: missense variant.
Genome position (GRCh38, 1-based): chr18:59,454,851, C>G on the plus strand (G>C on the coding strand, the complement: CCBE1 is on the minus strand). VCF-style: chr18-59454851-C-G. GRCh37 (hg19) VCF-style: chr18-57122083-C-G.
Other names: short protein forms K218N.
Identifiers: ClinVar variation 1410645 (VCV001410645.6), dbSNP rs765432175, ClinGen allele CA402596745.

ClinVar aggregate classification (germline): Uncertain significance (1 of 4 stars; one submission).

gnomAD v4.1: 5 of 1,613,980 alleles (0.00031%); highest among the groups gnomAD compares: Non-Finnish European, 0.00042%; no homozygotes.

Submission:

Labcorp Genetics (formerly Invitae), Labcorp
Classification: Uncertain significance. Last evaluated: 2021-08-11. Review status: criteria provided, single submitter. Criteria: Invitae Variant Classification Sherloc (09022015). Collection method: clinical testing. Allele origin: germline.
Comment: In summary, the available evidence is currently insufficient to determine the role of this variant in disease. Therefore, it has been classified as a Variant of Uncertain Significance. Variants that disrupt the consensus splice site are a relatively common cause of aberrant splicing (PMID: 17576681, 9536098). Algorithms developed to predict the effect of missense changes on protein structure and function (SIFT, PolyPhen-2, Align-GVGD) all suggest that this variant is likely to be disruptive. This variant has not been reported in the literature in individuals affected with CCBE1-related conditions. This variant is not present in population databases (ExAC no frequency). This sequence change replaces lysine with asparagine at codon 218 of the CCBE1 protein (p.Lys218Asn). The lysine residue is highly conserved and there is a moderate physicochemical difference between lysine and asparagine. This variant also falls at the last nucleotide of exon 6, which is part of the consensus splice site for this exon.

Literature cited by the submitters: PubMed 17576681; PubMed 9536098.